The following is an entry in ClinVar:

NM_001184.4(ATR):c.4450G>T (p.Gly1484Cys)

Gene: ATR (ATR checkpoint kinase; minus strand). Cytogenetic location: 3q23.
Variant type: single nucleotide variant.
Coding change: c.4450G>T on transcript NM_001184.4 (MANE Select); coding-DNA position 4450, G replaced by T.
Protein change: p.Gly1484Cys; replaces glycine 1484 with cysteine.
Molecular consequence: missense variant.
Genome position (GRCh38, 1-based): chr3:142,515,448, C>A on the plus strand (G>T on the coding strand, the complement: ATR is on the minus strand). VCF-style: chr3-142515448-C-A. GRCh37 (hg19) VCF-style: chr3-142234290-C-A.
Other names: c.4258G>T, p.Gly1420Cys (NM_001354579.2); short protein forms G1420C, G1484C.
Identifiers: ClinVar variation 2003984 (VCV002003984.4), dbSNP rs753955358, ClinGen allele CA354798163.
Genomic context (GRCh38, chr3:142,515,448, plus strand): 5'-TTCTTACCTTTGTAATAAGATAACCTGCCCAAGATGCTGACCATTCTGCAAAGTTACTAC[C>A]CAATTTACTTAAGTAAATTGGCTTCTTTACTCCAGACCAATCGGTTGACTTCTGAGAACT-3'
Protein context (NP_001175.2, residues 1474-1494): VKKPIYLSKL[Gly1484Cys]SNFAEWSASW

ClinVar aggregate classification (germline): Uncertain significance (1 of 4 stars; one submission).

Submission:

Labcorp Genetics (formerly Invitae), Labcorp
Classification: Uncertain significance. Last evaluated: 2022-06-17. Review status: criteria provided, single submitter. Criteria: Invitae Variant Classification Sherloc (09022015). Collection method: clinical testing. Allele origin: germline.
Comment: Algorithms developed to predict the effect of missense changes on protein structure and function are either unavailable or do not agree on the potential impact of this missense change (SIFT: "Deleterious"; PolyPhen-2: "Probably Damaging"; Align-GVGD: "Class C15"). This variant has not been reported in the literature in individuals affected with ATR-related conditions. This variant is not present in population databases (gnomAD no frequency). This sequence change replaces glycine, which is neutral and non-polar, with cysteine, which is neutral and slightly polar, at codon 1484 of the ATR protein (p.Gly1484Cys). In summary, the available evidence is currently insufficient to determine the role of this variant in disease. Therefore, it has been classified as a Variant of Uncertain Significance.